The following is an entry in ClinVar:

ClinVar aggregate classification (germline): Likely pathogenic (0 of 4 stars; one submission).

Conditions:
Glycine encephalopathy. Also called: Nonketotic hyperglycinemia; Non-ketotic hyperglycinemia. Identifiers: Orphanet 407, MedGen C0751748, MONDO:0011612, HP:0008288.

Submission:

Juha Muilu Group; Institute for Molecular Medicine Finland (FIMM)
Classification: Likely pathogenic for Non-ketotic hyperglycinemia. Review status: no assertion criteria provided. Collection method: not provided. Allele origin: unknown.
Comment: FinDis database variant: This variant was not found or characterized by our laboratory, data were collected from public sources: see reference
ClinVar note: Converted during submission from probable-pathogenic to Likely pathogenic.

NM_000170.3(GLDC):c.2258A>C (p.His753Pro)

Gene: GLDC (glycine decarboxylase; minus strand). Cytogenetic location: 9p24.1.
Variant type: single nucleotide variant.
Coding change: c.2258A>C on transcript NM_000170.3 (MANE Select); coding-DNA position 2258, A replaced by C.
Protein change: p.His753Pro; replaces histidine 753 with proline.
Molecular consequence: missense variant.
Genome position (GRCh38, 1-based): chr9:6,554,726, T>G on the plus strand (A>C on the coding strand, the complement: GLDC is on the minus strand). VCF-style: chr9-6554726-T-G. GRCh37 (hg19) VCF-style: chr9-6554726-T-G.
Other names: short protein forms H753P.
Identifiers: ClinVar variation 56066 (VCV000056066.2), dbSNP rs386833547, ClinGen allele CA263347.
Genomic context (GRCh38, chr9:6,554,726, plus strand): 5'-TACACTCCGATGGGCCCCATGCCAGGACCACCTCCTCCGTGGGGAATGCAGAAGGTCTTG[T>G]GAAGATTTAGGTGCGAGACATCAGACCCGAAGTCTCCAGGGCGACAGATTCCCACCTACC-3'
Protein context (NP_000161.2, residues 743-763): FGSDVSHLNL[His753Pro]KTFCIPHGGG